The following is an entry in ClinVar:

ClinVar aggregate classification (germline): Uncertain significance (1 of 4 stars; one submission).

Conditions:
Glycine encephalopathy. Also called: Non-ketotic hyperglycinemia; Nonketotic hyperglycinemia. Identifiers: Orphanet 407, MedGen C0751748, MONDO:0011612, HP:0008288.

Submission:

Labcorp Genetics (formerly Invitae), Labcorp
Classification: Uncertain significance for Glycine encephalopathy. Last evaluated: 2022-07-21. Review status: criteria provided, single submitter. Criteria: Invitae Variant Classification Sherloc (09022015). Collection method: clinical testing. Allele origin: germline.
Comment: This variant is not present in population databases (gnomAD no frequency). This sequence change replaces asparagine, which is neutral and polar, with lysine, which is basic and polar, at codon 730 of the GLDC protein (p.Asn730Lys). This variant has not been reported in the literature in individuals affected with GLDC-related conditions. Advanced modeling of protein sequence and biophysical properties (such as structural, functional, and spatial information, amino acid conservation, physicochemical variation, residue mobility, and thermodynamic stability) performed at Invitae indicates that this missense variant is expected to disrupt GLDC protein function. In summary, the available evidence is currently insufficient to determine the role of this variant in disease. Therefore, it has been classified as a Variant of Uncertain Significance.

NM_000170.3(GLDC):c.2190T>A (p.Asn730Lys)

Gene: GLDC (glycine decarboxylase; minus strand). Cytogenetic location: 9p24.1.
Variant type: single nucleotide variant.
Coding change: c.2190T>A on transcript NM_000170.3 (MANE Select); coding-DNA position 2190, T replaced by A.
Protein change: p.Asn730Lys; replaces asparagine 730 with lysine.
Molecular consequence: missense variant.
Genome position (GRCh38, 1-based): chr9:6,556,165, A>T on the plus strand (T>A on the coding strand, the complement: GLDC is on the minus strand). VCF-style: chr9-6556165-A-T. GRCh37 (hg19) VCF-style: chr9-6556165-A-T.
Other names: short protein forms N730K.
Identifiers: ClinVar variation 1722288 (VCV001722288.6), dbSNP rs1488575943, ClinGen allele CA372881182.
Genomic context (GRCh38, chr9:6,556,165, plus strand): 5'-TATCCATTTTCTCAGTGGGAACTAAGGGCGGGCCTCTTCAGTTCCCACCTGAGCATTCAT[A>T]TTTGCCCCGTCTAGGTAGACCTGTCCTCCATGTTGATGGATGAGGTCACACACGTCACTG-3'
Protein context (NP_000161.2, residues 720-740): HGGQVYLDGA[Asn730Lys]MNAQVGICRP